The following is an entry in ClinVar:

ClinVar aggregate classification (germline): Likely benign. Review status: criteria provided, multiple submitters, no conflicts (2 of 4 stars). 3 submissions from 3 submitters: Likely benign (2). 1 of the submissions does not count toward it. Last evaluated 2024-12-07.

Conditions:
CREBBP-related disorder. Also called: CREBBP-related condition; CREBBP-related disorders.
Rubinstein-Taybi syndrome (RSTS). Identifiers: Orphanet 783, MedGen C0035934, MONDO:0019188.
Inborn genetic diseases. Identifiers: MedGen C0950123, MeSH D030342.

Allele frequency attached by ClinVar (database versions not stated): gnomAD exomes 0.00003; gnomAD 0.00006; TOPMed 0.00008; ExAC 0.00011.
gnomAD v4.1: 53 of 1,614,048 alleles (0.0033%); highest among the groups gnomAD compares: East Asian, 0.029%; no homozygotes.

Submissions (3):

Labcorp Genetics (formerly Invitae), Labcorp
Classification: Likely benign for Rubinstein-Taybi syndrome. Last evaluated: 2024-12-07. Review status: criteria provided, single submitter. Criteria: Invitae Variant Classification Sherloc (09022015). Collection method: clinical testing. Allele origin: germline.

Ambry Genetics
Classification: Likely benign for Inborn genetic diseases. Last evaluated: 2018-02-23. Review status: criteria provided, single submitter. Criteria: Ambry Variant Classification Scheme 2023. Collection method: clinical testing. Allele origin: germline.

PreventionGenetics, part of Exact Sciences
Classification: Likely benign for CREBBP-related condition. Last evaluated: 2022-06-14. Review status: no assertion criteria provided. Collection method: clinical testing. Allele origin: germline. Not counted in ClinVar's aggregate classification.
Comment: This variant is classified as likely benign based on ACMG/AMP sequence variant interpretation guidelines (Richards et al. 2015 PMID: 25741868, with internal and published modifications).

NM_004380.3(CREBBP):c.4240G>A (p.Val1414Ile)

Gene: CREBBP (CREB binding lysine acetyltransferase; minus strand). Cytogenetic location: 16p13.3.
Variant type: single nucleotide variant.
Coding change: c.4240G>A on transcript NM_004380.3 (MANE Select); coding-DNA position 4240, G replaced by A.
Protein change: p.Val1414Ile; replaces valine 1414 with isoleucine.
Molecular consequence: missense variant.
Genome position (GRCh38, 1-based): chr16:3,739,618, C>T on the plus strand (G>A on the coding strand, the complement: CREBBP is on the minus strand). VCF-style: chr16-3739618-C-T. GRCh37 (hg19) VCF-style: chr16-3789619-C-T.
Other names: c.4126G>A, p.Val1376Ile (NM_001079846.1); short protein forms V1376I, V1414I.
Identifiers: ClinVar variation 1738999 (VCV001738999.9), dbSNP rs130015, ClinGen allele CA7869580.